The following is an entry in ClinVar:

ClinVar aggregate classification (germline): Likely pathogenic. Review status: criteria provided, multiple submitters, no conflicts (2 of 4 stars). 3 submissions from 3 submitters: Likely pathogenic (3). Last evaluated 2025-08-24.

Conditions:
Cardiovascular phenotype. Identifiers: MedGen CN230736.
Long QT syndrome (LQTS). Identifiers: MedGen C0023976, MeSH D008133, MONDO:0002442. Disease mechanism: loss of function. Inheritance: Various modes of inheritance.

gnomAD v4.1: 5 of 1,613,740 alleles (0.00031%); highest among the groups gnomAD compares: Non-Finnish European, 0.00042%; no homozygotes.

Submissions (3):

Labcorp Genetics (formerly Invitae), Labcorp
Classification: Likely pathogenic for Long QT syndrome. Last evaluated: 2025-08-24. Review status: criteria provided, single submitter. Criteria: Invitae Variant Classification Sherloc (09022015). Collection method: clinical testing. Allele origin: germline.
Comment: This sequence change replaces arginine, which is basic and polar, with glycine, which is neutral and non-polar, at codon 860 of the CACNA1C protein (p.Arg860Gly). This variant is not present in population databases (gnomAD no frequency). This missense change has been observed in individuals with long QT syndrome (PMID: 25633834, 31408100). ClinVar contains an entry for this variant (Variation ID: 190702). Invitae Evidence Modeling of protein sequence and biophysical properties (such as structural, functional, and spatial information, amino acid conservation, physicochemical variation, residue mobility, and thermodynamic stability) has been performed for this missense variant. However, the output from this modeling did not meet the statistical confidence thresholds required to predict the impact of this variant on CACNA1C protein function. Experimental studies have shown that this missense change affects CACNA1C function (PMID: 25633834). This variant disrupts the p.Arg860 amino acid residue in CACNA1C. Other variant(s) that disrupt this residue have been observed in individuals with CACNA1C-related conditions (PMID: 25633834; internal data), which suggests that this may be a clinically significant amino acid residue. In summary, the currently available evidence indicates that the variant is pathogenic, but additional data are needed to prove that conclusively. Therefore, this variant has been classified as Likely Pathogenic.

GeneDx
Classification: Likely pathogenic. Last evaluated: 2024-10-24. Review status: criteria provided, single submitter. Criteria: GeneDx Variant Classification Process June 2021. Collection method: clinical testing. Allele origin: germline. Affected: yes.
Comment: Not observed at significant frequency in large population cohorts (gnomAD); Published functional studies demonstrate a damaging effect as Hek293 cells with this variant displayed a positive shift in voltage-dependent inactivation resulting in a gain-of-function in Xenopus oocytes (PMID: 25633834); In silico analysis supports that this missense variant has a deleterious effect on protein structure/function; This variant is associated with the following publications: (PMID: 30513141, 26253506, 26707467, 27390944, 29186814, 30345660, 31408100, 25633834, 30172029, 29661707, 30027834, 31324123)

Ambry Genetics
Classification: Likely pathogenic for Cardiovascular phenotype. Last evaluated: 2024-01-17. Review status: criteria provided, single submitter. Criteria: Ambry Variant Classification Scheme 2023. Collection method: clinical testing. Allele origin: germline.
Comment: The p.R860G variant (also known as c.2578C>G), located in coding exon 19 of the CACNA1C gene, results from a C to G substitution at nucleotide position 2578. The arginine at codon 860 is replaced by glycine, an amino acid with dissimilar properties. This variant has been detected in probands with prolonged QTc intervals (Wemh&ouml;ner K et al. J Mol Cell Cardiol, 2015 Mar;80:186-95; Mellor GJ et al. Europace, 2019 Nov;21:1725-1732). This variant is considered to be rare based on population cohorts in the Genome Aggregation Database (gnomAD). This missense alteration is located in a region that has a low rate of benign missense variation (Lek M et al. Nature. 2016 Aug 18;536(7616):285-91; DECIPHER: Database of Chromosomal Imbalance and Phenotype in Humans using Ensembl Resources. Firth H.V. et al. 2009. Am.J.Hum.Genet. 84, 524-533 (DOI)). This amino acid position is highly conserved in available vertebrate species. In addition, this alteration is predicted to be deleterious by in silico analysis. Based on the supporting evidence, this variant is expected to be causative of CACNA1C-related long QT syndrome/Timothy syndrome; however, its clinical significance for CACNA1C-related neurodevelopmental disorder is unclear.

Literature cited by the submitters: PubMed 25633834 (cited by Labcorp Genetics (formerly Invitae), Labcorp and Ambry Genetics); PubMed 31408100 (cited by Labcorp Genetics (formerly Invitae), Labcorp and Ambry Genetics).

NM_000719.7(CACNA1C):c.2578C>G (p.Arg860Gly)

Gene: CACNA1C (calcium voltage-gated channel subunit alpha1 C; plus strand). Cytogenetic location: 12p13.33.
Variant type: single nucleotide variant.
Coding change: c.2578C>G on transcript NM_000719.7 (MANE Select); coding-DNA position 2578, C replaced by G.
Protein change: p.Arg860Gly; replaces arginine 860 with glycine.
Molecular consequence: missense variant.
Genome position (GRCh38, 1-based): chr12:2,593,260, C>G. VCF-style: chr12-2593260-C-G. GRCh37 (hg19) VCF-style: chr12-2702426-C-G.
Other names: p.R860G:CGA>GGA; c.2578C>G, p.Arg860Gly (NM_001129827.2, NM_001129829.2, NM_001129830.3 and 18 more transcripts); c.2569C>G, p.Arg857Gly (NM_001129844.2); short protein forms R860G, R857G.
Identifiers: ClinVar variation 190702 (VCV000190702.6), dbSNP rs758786846, ClinGen allele CA301743.